The following is an entry in ClinVar:

ClinVar aggregate classification (germline): Uncertain significance (1 of 4 stars; one submission).

Submission:

Labcorp Genetics (formerly Invitae), Labcorp
Classification: Uncertain significance. Last evaluated: 2025-10-08. Review status: criteria provided, single submitter. Criteria: Invitae Variant Classification Sherloc (09022015). Collection method: clinical testing. Allele origin: germline.
Comment: This sequence change replaces alanine, which is neutral and non-polar, with serine, which is neutral and polar, at codon 651 of the PROM1 protein (p.Ala651Ser). This variant is not present in population databases (gnomAD no frequency). This variant has not been reported in the literature in individuals affected with PROM1-related conditions. ClinVar contains an entry for this variant (Variation ID: 2728056). Invitae Evidence Modeling of protein sequence and biophysical properties (such as structural, functional, and spatial information, amino acid conservation, physicochemical variation, residue mobility, and thermodynamic stability) indicates that this missense variant is not expected to disrupt PROM1 protein function with a negative predictive value of 80%. In summary, the available evidence is currently insufficient to determine the role of this variant in disease. Therefore, it has been classified as a Variant of Uncertain Significance.

NM_006017.3(PROM1):c.1951G>T (p.Ala651Ser)

Gene: PROM1 (prominin 1; minus strand). Cytogenetic location: 4p15.32.
Variant type: single nucleotide variant.
Coding change: c.1951G>T on transcript NM_006017.3 (MANE Select); coding-DNA position 1951, G replaced by T.
Protein change: p.Ala651Ser; replaces alanine 651 with serine.
Molecular consequence: missense variant.
Genome position (GRCh38, 1-based): chr4:15,991,254, C>A on the plus strand (G>T on the coding strand, the complement: PROM1 is on the minus strand). VCF-style: chr4-15991254-C-A. GRCh37 (hg19) VCF-style: chr4-15992877-C-A.
Other names: c.1924G>T, p.Ala642Ser (NM_001145847.2, NM_001145848.2, NM_001145851.2 and 4 more transcripts); c.1951G>T, p.Ala651Ser (NM_001145849.2, NM_001145850.2); short protein forms A651S, A642S.
Identifiers: ClinVar variation 2728056 (VCV002728056.3), dbSNP rs2475228644, ClinGen allele CA356430447.